The following is an entry in ClinVar:

ClinVar aggregate classification (germline): Uncertain significance (1 of 4 stars; one submission).

Conditions:
Inborn genetic diseases. Identifiers: MedGen C0950123, MeSH D030342.

Allele frequency attached by ClinVar (database versions not stated): TOPMed below 0.00001; gnomAD 0.00001.
gnomAD v4.1: 1 of 1,610,598 alleles (0.000062%); highest among the groups gnomAD compares: Non-Finnish European, 0.000085%; no homozygotes.

Submission:

Ambry Genetics
Classification: Uncertain significance for Inborn genetic diseases. Last evaluated: 2023-05-27. Review status: criteria provided, single submitter. Criteria: Ambry Variant Classification Scheme 2023. Collection method: clinical testing. Allele origin: germline.
Comment: The p.I316N variant (also known as c.947T>A), located in coding exon 9 of the MDH2 gene, results from a T to A substitution at nucleotide position 947. The isoleucine at codon 316 is replaced by asparagine, an amino acid with dissimilar properties. This amino acid position is conserved. In addition, the in silico prediction for this alteration is inconclusive. Since supporting evidence is limited at this time, the clinical significance of this alteration remains unclear.

NM_005918.4(MDH2):c.947T>A (p.Ile316Asn)

Gene: MDH2 (malate dehydrogenase 2; plus strand). Cytogenetic location: 7q11.23.
Variant type: single nucleotide variant.
Coding change: c.947T>A on transcript NM_005918.4 (MANE Select); coding-DNA position 947, T replaced by A.
Protein change: p.Ile316Asn; replaces isoleucine 316 with asparagine.
Molecular consequence: missense variant.
Genome position (GRCh38, 1-based): chr7:76,066,340, T>A. VCF-style: chr7-76066340-T-A. GRCh37 (hg19) VCF-style: chr7-75695658-T-A.
Other names: c.821T>A, p.Ile274Asn (NM_001282403.2); c.626T>A, p.Ile209Asn (NM_001282404.2); short protein forms I209N, I316N, I274N.
Identifiers: ClinVar variation 2560373 (VCV002560373.2), dbSNP rs1798096459, ClinGen allele CA367769937.